The following is an entry in ClinVar:

NC_000001.10:g.(?_145414782)_(145610584_?)del

Genes: POLR3GL (RNA polymerase III subunit GL; plus strand), RBM8A (RNA binding motif protein 8A; minus strand), TXNIP (thioredoxin interacting protein; minus strand), ANKRD34A (ankyrin repeat domain 34A; minus strand), ANKRD35 (ankyrin repeat domain 35; minus strand) and 7 more. Cytogenetic location: 1q21.1.
Variant type: Deletion.
Identifiers: ClinVar variation 1459111 (VCV001459111.6).

ClinVar aggregate classification (germline): Pathogenic. Review status: criteria provided, single submitter (1 of 4 stars). 2 submissions from 1 submitter: Pathogenic (1). 1 of the submissions does not count toward it. Last evaluated 2024-01-06.

Conditions:
Radial aplasia-thrombocytopenia syndrome (TAR). Also called: TAR syndrome; Thrombocytopenia Absent Radius Syndrome. Identifiers: Orphanet 3320, MedGen C0175703, MeSH C536940, MONDO:0010121, OMIM 274000.

Submissions (2):

Labcorp Genetics (formerly Invitae), Labcorp
Classification: Pathogenic for Radial aplasia-thrombocytopenia syndrome. Last evaluated: 2024-01-06. Review status: criteria provided, single submitter. Criteria: Invitae Variant Classification Sherloc (09022015). Collection method: clinical testing. Allele origin: germline.
Comment: A gross deletion of the genomic region encompassing the full coding sequence of the RBM8A gene has been identified. Loss-of-function variants in RBM8A are known to be pathogenic (PMID: 17236129, 22366785). The boundaries of this event are unknown as they extend beyond the assayed region for this gene and therefore may encompass additional genes. Isolated whole-gene deletions of RBM8A have not been reported in the literature. However, larger copy number events that include this gene have been reported (PMID: 24220582, 27846804). For these reasons, this variant has been classified as Pathogenic.

Labcorp Genetics (formerly Invitae), Labcorp
Classification: Pathogenic. Last evaluated: 2022-09-27. Review status: flagged submission. Criteria: Invitae Variant Classification Sherloc (09022015). Collection method: clinical testing. Allele origin: germline. Not counted in ClinVar's aggregate classification.
Comment: A gross deletion of the genomic region encompassing the full coding sequence of the PEX11B gene has been identified. Loss-of-function variants in PEX11B are known to be pathogenic (PMID: 22581968, 26233629, 28129423). The boundaries of this event are unknown as they extend beyond the assayed region for this gene and therefore may encompass additional genes. This variant has not been reported in the literature in individuals affected with PEX11B-related conditions. For these reasons, this variant has been classified as Pathogenic.
ClinVar note: Reason: This record appears to be redundant with a more recent record from the same submitter.
ClinVar note: Notes: SCV003792521 appears to be redundant with SCV002244773.

Literature cited by the submitters: PubMed 17236129; PubMed 22366785; PubMed 24220582; PubMed 27846804; PubMed 22581968; PubMed 26233629; PubMed 28129423.